The following is an entry in ClinVar:

ClinVar aggregate classification (germline): Likely benign. Review status: criteria provided, multiple submitters, no conflicts (2 of 4 stars). 3 submissions from 3 submitters: Likely benign (3). Last evaluated 2023-12-01.

Conditions:
Arrhythmogenic right ventricular cardiomyopathy (ARVD). Also called: Arrhythmogenic cardiomyopathy; Cardiomyopathy, ARVC; Arrhythmogenic right ventricular dysplasia; Arrhythmogenic Right Ventricular Cardiomyopathy (ARVC). Identifiers: Orphanet 247, MedGen C0349788, MeSH D019571, MONDO:0016587. Disease mechanism: loss of function. Inheritance: Various modes of inheritance.
Cardiomyopathy (CMYO). Also called: Cardiomyopathies. Identifiers: Orphanet 167848, MedGen C0878544, MONDO:0004994, HP:0001638. Inheritance: Various modes of inheritance.
Arrhythmogenic right ventricular dysplasia 10. Also called: Arrhythmogenic Right Ventricular Dysplasia/Cardiomyopathy10; ARRHYTHMOGENIC RIGHT VENTRICULAR DYSPLASIA, FAMILIAL, 10; Arrhythmogenic right ventricular dysplasia/cardiomyopathy, type 10. Identifiers: MedGen C1857777, MONDO:0012434, OMIM 610193.

Allele frequency attached by ClinVar (database versions not stated): gnomAD exomes below 0.00001; gnomAD 0.00001; TOPMed 0.00001.
gnomAD v4.1: 4 of 1,613,804 alleles (0.00025%); highest among the groups gnomAD compares: Non-Finnish European, 0.00034%; no homozygotes.

Submissions (3):

All of Us Research Program, National Institutes of Health
Classification: Likely benign for Arrhythmogenic right ventricular cardiomyopathy. Last evaluated: 2023-12-01. Review status: criteria provided, single submitter. Criteria: ACMG Guidelines, 2015. Collection method: clinical testing. Allele origin: germline. Inheritance: Autosomal dominant inheritance. Observed: 2 variant alleles, 2 heterozygotes.
Comment: This study involves interpretation of variants in research participants for the purpose of population health screening. Participant phenotype was not available at the time of variant classification. Additional details can be found in publication PMID: 35346344, PMCID: PMC8962531

Color Diagnostics, LLC DBA Color Health
Classification: Likely benign for Cardiomyopathy. Last evaluated: 2019-06-01. Review status: criteria provided, single submitter. Criteria: ACMG Guidelines, 2015. Collection method: clinical testing. Allele origin: germline.

Labcorp Genetics (formerly Invitae), Labcorp
Classification: Likely benign for Arrhythmogenic right ventricular dysplasia 10. Last evaluated: 2018-10-29. Review status: criteria provided, single submitter. Criteria: Invitae Variant Classification Sherloc (09022015). Collection method: clinical testing. Allele origin: germline.

NM_001943.5(DSG2):c.624T>G (p.Pro208=)

Gene: DSG2 (desmoglein 2; plus strand). Cytogenetic location: 18q12.1.
Variant type: single nucleotide variant.
Coding change: c.624T>G on transcript NM_001943.5 (MANE Select); coding-DNA position 624, T replaced by G.
Protein change: p.Pro208=; no amino-acid change (proline 208 retained).
Molecular consequence: synonymous variant.
Genome position (GRCh38, 1-based): chr18:31,522,183, T>G. VCF-style: chr18-31522183-T-G. GRCh37 (hg19) VCF-style: chr18-29102146-T-G.
Identifiers: ClinVar variation 696602 (VCV000696602.12), dbSNP rs1275487240, ClinGen allele CA503598189.